The following is an entry in ClinVar:

NM_012064.4(MIP):c.337C>T (p.Arg113Ter)

Gene: MIP (major intrinsic protein of lens fiber; minus strand). Cytogenetic location: 12q13.3.
Variant type: single nucleotide variant.
Coding change: c.337C>T on transcript NM_012064.4 (MANE Select); coding-DNA position 337, C replaced by T.
Protein change: p.Arg113Ter; replaces arginine 113 with a stop codon.
Molecular consequence: nonsense.
Genome position (GRCh38, 1-based): chr12:56,454,277, G>A on the plus strand (C>T on the coding strand, the complement: MIP is on the minus strand). VCF-style: chr12-56454277-G-A. GRCh37 (hg19) VCF-style: chr12-56848061-G-A.
Other names: short protein forms R113*.
Identifiers: ClinVar variation 4995969 (VCV004995969.1).

ClinVar aggregate classification (germline): Pathogenic (1 of 4 stars; one submission).

Conditions:
MIP-related disorder. Also called: MIP-related condition.

Submission:

PreventionGenetics, part of Exact Sciences
Classification: Pathogenic for MIP-related condition. Last evaluated: 2026-09-18. Review status: criteria provided, single submitter. Criteria: ACMG Guidelines, 2015. Collection method: clinical testing. Allele origin: germline.
Comment: The MIP c.337C>T variant is predicted to result in premature protein termination (p.Arg113*). This variant has been reported as segregating with disease in a large kindred with congenital cataract (Yu et al. 2014. PubMed ID: 24405844) and reported in an unrelated individual from a cohort study of high myopia (Chen et al. 2024. PubMed ID: 38315492). This variant is present in 0.0029% of alleles in individuals of Latino descent in gnomAD. Nonsense variants in MIP are an established mechanism of disease. This variant is interpreted as pathogenic.